The following is an entry in ClinVar:

NM_001040108.2(MLH3):c.981G>C (p.Leu327=)

Gene: MLH3 (mutL homolog 3; minus strand). Cytogenetic location: 14q24.3.
Variant type: single nucleotide variant.
Coding change: c.981G>C on transcript NM_001040108.2 (MANE Select); coding-DNA position 981, G replaced by C.
Protein change: p.Leu327=; no amino-acid change (leucine 327 retained).
Molecular consequence: synonymous variant.
Genome position (GRCh38, 1-based): chr14:75,048,675, C>G on the plus strand (G>C on the coding strand, the complement: MLH3 is on the minus strand). VCF-style: chr14-75048675-C-G. GRCh37 (hg19) VCF-style: chr14-75515378-C-G.
Other names: c.981G>C, p.Leu327= (NM_014381.3).
Identifiers: ClinVar variation 1768320 (VCV001768320.3), dbSNP rs1892440532, ClinGen allele CA487274108.
Genomic context (GRCh38, chr14:75,048,675, plus strand): 5'-AAACATTTTCACTCCTTCCTGAATGCAAAACAAGAGAGTGTCCCAGTTCTGAAATTCAAT[C>G]AGAGTTTTGGCTGGCTCCATGCACACATCATACTCACAGAATTGGCACTGCACATTAATT-3'
Protein context (NP_001035197.1, residues 317-337): YDVCMEPAKT[Leu327=]IEFQNWDTLL

ClinVar aggregate classification (germline): Benign/Likely benign. Review status: criteria provided, multiple submitters, no conflicts (2 of 4 stars). 2 submissions from 2 submitters: Benign (1); Likely benign (1). Last evaluated 2026-09-14.

Conditions:
Colorectal cancer, hereditary nonpolyposis, type 7. Identifiers: Orphanet 144, MedGen C1858380, MONDO:0013725, OMIM 614385.

Submissions (2):

Myriad Genetics, Inc.
Classification: Benign for Colorectal cancer, hereditary nonpolyposis, type 7. Last evaluated: 2026-09-14. Review status: criteria provided, single submitter. Criteria: Myriad Autosomal Dominant, Autosomal Recessive and X-Linked Classification Criteria (2023). Collection method: clinical testing. Allele origin: unknown.
Comment: This variant is considered benign. This variant is a silent/synonymous amino acid change and it is not expected to impact splicing.

Ambry Genetics
Classification: Likely benign. Last evaluated: 2020-01-21. Review status: criteria provided, single submitter. Criteria: Ambry Variant Classification Scheme 2023. Collection method: clinical testing. Allele origin: germline.